The following is an entry in ClinVar:

ClinVar aggregate classification (germline): Uncertain significance (1 of 4 stars; one submission).

Conditions:
Alpha thalassemia-X-linked intellectual disability syndrome (ATRX). Also called: ALPHA-THALASSEMIA/MENTAL RETARDATION SYNDROME, X-LINKED; ATR, NONDELETION TYPE; ATR-X syndrome; Alpha thalassemia mental retardation syndrome, nondeletion type, X-linked; XLMR hypotonic face syndrome; X-linked alpha-thalassemia-mental retardation syndrome. Identifiers: Orphanet 847, MedGen C1845055, MONDO:0010519, OMIM 301040.

Submission:

Centre for Mendelian Genomics, University Medical Centre Ljubljana
Classification: Uncertain significance for Alpha thalassemia-X-linked intellectual disability syndrome. Last evaluated: 2019-03-06. Review status: criteria provided, single submitter. Criteria: ACMG Guidelines, 2015. Collection method: clinical testing. Allele origin: unknown. Affected: yes.
Comment: This variant was classified as: Uncertain significance. The available evidence on this variant's pathogenicity is insufficient or conflicting. The following ACMG criteria were applied in classifying this variant: PM2,PP3.

NM_000489.6(ATRX):c.3813T>G (p.Ile1271Met)

Gene: ATRX (ATRX chromatin remodeler; minus strand). Cytogenetic location: Xq21.1.
Variant type: single nucleotide variant.
Coding change: c.3813T>G on transcript NM_000489.6 (MANE Select); coding-DNA position 3813, T replaced by G.
Protein change: p.Ile1271Met; replaces isoleucine 1271 with methionine.
Molecular consequence: missense variant.
Genome position (GRCh38, 1-based): chrX:77,664,775, A>C on the plus strand (T>G on the coding strand, the complement: ATRX is on the minus strand). VCF-style: chrX-77664775-A-C. GRCh37 (hg19) VCF-style: chrX-76920264-A-C.
Other names: c.3699T>G, p.Ile1233Met (NM_138270.5); short protein forms I1233M, I1271M.
Identifiers: ClinVar variation 930226 (VCV000930226.3), dbSNP rs2070142302, ClinGen allele CA413700520.